The following is an entry in ClinVar:

NM_015662.3(IFT172):c.1585A>G (p.Met529Val)

Gene: IFT172 (intraflagellar transport 172; minus strand). Cytogenetic location: 2p23.3.
Variant type: single nucleotide variant.
Coding change: c.1585A>G on transcript NM_015662.3 (MANE Select); coding-DNA position 1585, A replaced by G.
Protein change: p.Met529Val; replaces methionine 529 with valine.
Molecular consequence: missense variant.
Genome position (GRCh38, 1-based): chr2:27,471,035, T>C on the plus strand (A>G on the coding strand, the complement: IFT172 is on the minus strand). VCF-style: chr2-27471035-T-C. GRCh37 (hg19) VCF-style: chr2-27693902-T-C.
Other names: short protein forms M529V.
Identifiers: ClinVar variation 849469 (VCV000849469.10), dbSNP rs745382278, ClinGen allele CA1580585.

ClinVar aggregate classification (germline): Uncertain significance. Review status: criteria provided, single submitter (1 of 4 stars). 2 submissions from 2 submitters: Uncertain significance (1). 1 of the submissions does not count toward it. Last evaluated 2022-06-13.

Conditions:
IFT172-related disorder. Also called: IFT172-related disorders; IFT172-related condition.
Retinitis pigmentosa 71 (RP71). Identifiers: Orphanet 791, MedGen C4225342, MONDO:0014618, OMIM 616394.
Short-rib thoracic dysplasia 10 with or without polydactyly (SRTD10). Identifiers: Orphanet 474, MedGen C3810175, MONDO:0014284, OMIM 615630.

Allele frequency attached by ClinVar (database versions not stated): gnomAD exomes 0.00001 and 0.00002; TOPMed 0.00002; ExAC 0.00003; gnomAD 0.00003.
gnomAD v4.1: 19 of 1,613,728 alleles (0.0012%); highest among the groups gnomAD compares: Middle Eastern, 0.016%; no homozygotes.

Submissions (2):

Labcorp Genetics (formerly Invitae), Labcorp
Classification: Uncertain significance for Retinitis pigmentosa 71; Short-rib thoracic dysplasia 10 with or without polydactyly. Last evaluated: 2022-06-13. Review status: criteria provided, single submitter. Criteria: Invitae Variant Classification Sherloc (09022015). Collection method: clinical testing. Allele origin: germline.
Comment: This sequence change replaces methionine, which is neutral and non-polar, with valine, which is neutral and non-polar, at codon 529 of the IFT172 protein (p.Met529Val). This variant is present in population databases (rs745382278, gnomAD 0.004%). This variant has not been reported in the literature in individuals affected with IFT172-related conditions. ClinVar contains an entry for this variant (Variation ID: 849469). Algorithms developed to predict the effect of missense changes on protein structure and function output the following: SIFT: "Tolerated"; PolyPhen-2: "Benign"; Align-GVGD: "Class C0". The valine amino acid residue is found in multiple mammalian species, which suggests that this missense change does not adversely affect protein function. In summary, the available evidence is currently insufficient to determine the role of this variant in disease. Therefore, it has been classified as a Variant of Uncertain Significance.

PreventionGenetics, part of Exact Sciences
Classification: Uncertain significance for IFT172-related condition. Last evaluated: 2024-02-22. Review status: no assertion criteria provided. Collection method: clinical testing. Allele origin: germline. Not counted in ClinVar's aggregate classification.
Comment: The IFT172 c.1585A>G variant is predicted to result in the amino acid substitution p.Met529Val. To our knowledge, this variant has not been reported in the literature. This variant is reported in 0.0035% of alleles in individuals of European (Non-Finnish) descent in gnomAD. At this time, the clinical significance of this variant is uncertain due to the absence of conclusive functional and genetic evidence.